The following is an entry in ClinVar:

NM_177438.3(DICER1):c.5005T>G (p.Phe1669Val)

Gene: DICER1 (dicer 1, ribonuclease III; minus strand). Cytogenetic location: 14q32.13.
Variant type: single nucleotide variant.
Coding change: c.5005T>G on transcript NM_177438.3 (MANE Select); coding-DNA position 5005, T replaced by G.
Protein change: p.Phe1669Val; replaces phenylalanine 1669 with valine.
Molecular consequence: missense variant. On other transcripts: non-coding transcript variant (6).
Genome position (GRCh38, 1-based): chr14:95,095,915, A>C on the plus strand (T>G on the coding strand, the complement: DICER1 is on the minus strand). VCF-style: chr14-95095915-A-C. GRCh37 (hg19) VCF-style: chr14-95562252-A-C.
Other names: c.5005T>G, p.Phe1669Val (NM_001195573.1, NM_001271282.3, NM_001291628.2 and 12 more transcripts); c.4723T>G, p.Phe1575Val (NM_001395686.1); c.4600T>G, p.Phe1534Val (NM_001395687.1, NM_001395688.1, NM_001395689.1 and 2 more transcripts); c.4438T>G, p.Phe1480Val (NM_001395691.1); c.3322T>G, p.Phe1108Val (NM_001395697.1); short protein forms F1108V, F1480V, F1534V, F1575V, F1669V.
Identifiers: ClinVar variation 3391722 (VCV003391722.4).
Genomic context (GRCh38, chr14:95,095,915, plus strand): 5'-GTGTAAAAGCCTGGAGAAGGTAAGCCTTATTCTTGAATCTGTAGTTGATTTTCTTTTCAA[A>C]ATTTTCAAACCCCGATATAAGGTGATTCAGTGTTTTATCTGCATCTGGATGATCAAACAT-3'
Protein context (NP_803187.1, residues 1659-1679): LNHLISGFEN[Phe1669Val]EKKINYRFKN

ClinVar aggregate classification (germline): Uncertain significance. Review status: criteria provided, multiple submitters, no conflicts (2 of 4 stars). 3 submissions from 3 submitters: Uncertain significance (3). Last evaluated 2025-01-19.

Conditions:
Hereditary cancer-predisposing syndrome. Also called: Hereditary Cancer Syndrome; Hereditary neoplastic syndrome; Neoplastic Syndromes, Hereditary; Tumor predisposition. Identifiers: Orphanet 140162, MedGen C0027672, MeSH D009386, MONDO:0015356.
DICER1-related tumor predisposition. Also called: DICER1-related pleuropulmonary blastoma cancer predisposition syndrome; DICER1 syndrome. Identifiers: Orphanet 284343, MedGen C3839822, MONDO:0100216.

Submissions (3):

Labcorp Genetics (formerly Invitae), Labcorp
Classification: Uncertain significance for DICER1-related tumor predisposition. Last evaluated: 2025-01-19. Review status: criteria provided, single submitter. Criteria: Invitae Variant Classification Sherloc (09022015). Collection method: clinical testing. Allele origin: germline.
Comment: This sequence change replaces phenylalanine, which is neutral and non-polar, with valine, which is neutral and non-polar, at codon 1669 of the DICER1 protein (p.Phe1669Val). This variant is not present in population databases (gnomAD no frequency). This variant has not been reported in the literature in individuals affected with DICER1-related conditions. Invitae Evidence Modeling of protein sequence and biophysical properties (such as structural, functional, and spatial information, amino acid conservation, physicochemical variation, residue mobility, and thermodynamic stability) has been performed for this missense variant. However, the output from this modeling did not meet the statistical confidence thresholds required to predict the impact of this variant on DICER1 protein function. In summary, the available evidence is currently insufficient to determine the role of this variant in disease. Therefore, it has been classified as a Variant of Uncertain Significance.

Ambry Genetics
Classification: Uncertain significance for Hereditary cancer-predisposing syndrome. Last evaluated: 2024-11-05. Review status: criteria provided, single submitter. Criteria: Ambry Variant Classification Scheme 2023. Collection method: clinical testing. Allele origin: germline.
Comment: The p.F1669V variant (also known as c.5005T>G), located in coding exon 22 of the DICER1 gene, results from a T to G substitution at nucleotide position 5005. The phenylalanine at codon 1669 is replaced by valine, an amino acid with highly similar properties. This amino acid position is conserved. In addition, this alteration is predicted to be deleterious by in silico analysis. Based on the available evidence, the clinical significance of this variant remains unclear.

GeneDx
Classification: Uncertain significance. Last evaluated: 2024-06-17. Review status: criteria provided, single submitter. Criteria: GeneDx Variant Classification Process June 2021. Collection method: clinical testing. Allele origin: germline. Affected: yes.
Comment: Not observed at significant frequency in large population cohorts (gnomAD); In silico analysis supports that this missense variant has a deleterious effect on protein structure/function; Has not been previously published as pathogenic or benign to our knowledge